The following is an entry in ClinVar:

ClinVar aggregate classification (germline): Conflicting classifications of pathogenicity. Review status: criteria provided, conflicting classifications (1 of 4 stars). 2 submissions from 2 submitters: Likely pathogenic (1); Uncertain significance (1). Last evaluated 2025-12-17.

Conditions:
Hereditary factor VIII deficiency disease (HEMA). Also called: AUTOSOMAL HEMOPHILIA A; Hemophilia A; HEMOPHILIA, CLASSIC; Hemophilia A, congenital; HEM A; Factor 8 deficiency, congenital. Identifiers: Orphanet 98878, MedGen C0019069, MONDO:0010602, OMIM 306700.

Submissions (2):

Women's Health and Genetics/Laboratory Corporation of America, LabCorp
Classification: Uncertain significance. Last evaluated: 2025-12-17. Review status: criteria provided, single submitter. Criteria: LabCorp Variant Classification Summary - May 2015. Collection method: clinical testing. Allele origin: germline.
Comment: Variant summary: F8 c.5666A>G (p.Gln1889Arg) results in a conservative amino acid change in the encoded protein sequence. Algorithms developed to predict the effect of missense changes on protein structure and function are either unavailable or do not agree on the potential impact of this missense change. The variant was absent in 183335 control chromosomes (gnomAD). The available data on variant occurrences in the general population are insufficient to allow any conclusion about variant significance. c.5666A>G has been observed in individuals affected with Factor VIII Deficiency (Hemophilia A) (Yunis_2018). These reports do not provide unequivocal conclusions about association of the variant with Factor VIII Deficiency (Hemophilia A). To our knowledge, no experimental evidence demonstrating an impact on protein function has been reported. The following publications have been ascertained in the context of this evaluation (PMID: 35770352, 30534853). ClinVar contains an entry for this variant (Variation ID: 1174594). Based on the evidence outlined above, the variant was classified as uncertain significance.

Departamento de Patología, Instituto de Genética, Universidad Nacional de Colombia
Classification: Likely pathogenic for Hereditary factor VIII deficiency disease. Review status: criteria provided, single submitter. Criteria: ACMG Guidelines, 2015. Collection method: clinical testing. Allele origin: germline. Affected: yes. Observed: 2 variant alleles.
Comment: ACMG Guidelines. PM1: UniProt protein FA8_HUMAN domain 'Plastocyanin-like 6' has 55 non-VUS missense/in-frame/non-synonymous, variants (55 pathogenic and 0 benign), pathogenicity = 100.0% which is more than threshold 50.0%. PM2: Variant not found in gnomAD exomes (good gnomAD exomes coverage = 83.8). Variant not found in gnomAD genomes (good gnomAD genomes coverage = 22.0). PP2: 720 out of 744 non-VUS. PP3: missense variants in gene F8 are pathogenic = 96.8% which is more than threshold of 51.0%, and 856 out of 996 clinically reported variants in gene F8 are pathogenic = 85.9% which is more than threshold of 12.0%. PP3: Pathogenic computational verdict based on 7 pathogenic predictions from DANN, DEOGEN2, FATHMM-MKL, M-CAP, MVP, MutationAssessor and MutationTaster vs 4 benign predictions from BayesDel_addAF, LIST-S2, PrimateAI and SIFT.

Family based segregation. This variant was also recently found in another Colombian family with mild Hemophilia A and several affected males and carrier females.

Literature cited by the submitters: PubMed 35770352 (cited by Women's Health and Genetics/Laboratory Corporation of America, LabCorp); PubMed 30534853 (cited by Women's Health and Genetics/Laboratory Corporation of America, LabCorp and Departamento de Patología, Instituto de Genética, Universidad Nacional de Colombia).

NM_000132.4(F8):c.5666A>G (p.Gln1889Arg)

Gene: F8 (coagulation factor VIII; minus strand). Cytogenetic location: Xq28.
Variant type: single nucleotide variant.
Coding change: c.5666A>G on transcript NM_000132.4 (MANE Select); coding-DNA position 5666, A replaced by G.
Protein change: p.Gln1889Arg; replaces glutamine 1889 with arginine.
Molecular consequence: missense variant.
Genome position (GRCh38, 1-based): chrX:154,904,445, T>C on the plus strand (A>G on the coding strand, the complement: F8 is on the minus strand). VCF-style: chrX-154904445-T-C. GRCh37 (hg19) VCF-style: chrX-154132720-T-C.
Other names: short protein forms Q1889R.
Identifiers: ClinVar variation 1174594 (VCV001174594.3), dbSNP rs2123997081, ClinGen allele CA414907921.
Genomic context (GRCh38, chrX:154,904,445, plus strand): 5'-TACCAGCTTTTGGTCTCATCAAAGATGGTGAAAAACAGAGCAAATTCCTGTACTGTCACT[T>C]GTCTCCCATGAGCAGGGTTCAGTGTGTTAGTGTGGCAGACCAGAAGGGGTCCAATCAGGC-3'
Protein context (NP_000123.1, residues 1879-1899): TNTLNPAHGR[Gln1889Arg]VTVQEFALFF